The following is an entry in ClinVar:

ClinVar aggregate classification (germline): Uncertain significance (1 of 4 stars; one submission).

Allele frequency attached by ClinVar (database versions not stated): gnomAD exomes below 0.00001.
gnomAD v4.1: 3 of 1,577,254 alleles (0.00019%); highest among the groups gnomAD compares: South Asian, 0.0011%; no homozygotes.

Submission:

Labcorp Genetics (formerly Invitae), Labcorp
Classification: Uncertain significance. Last evaluated: 2022-07-02. Review status: criteria provided, single submitter. Criteria: Invitae Variant Classification Sherloc (09022015). Collection method: clinical testing. Allele origin: germline.
Comment: In summary, the available evidence is currently insufficient to determine the role of this variant in disease. Therefore, it has been classified as a Variant of Uncertain Significance. Algorithms developed to predict the effect of missense changes on protein structure and function are either unavailable or do not agree on the potential impact of this missense change (SIFT: "Not Available"; PolyPhen-2: "Benign"; Align-GVGD: "Not Available"). This variant has not been reported in the literature in individuals affected with UNC119-related conditions. This variant is not present in population databases (gnomAD no frequency). This sequence change replaces glutamic acid, which is acidic and polar, with lysine, which is basic and polar, at codon 36 of the UNC119 protein (p.Glu36Lys).

NM_005148.4(UNC119):c.106G>A (p.Glu36Lys)

Genes: UNC119 (unc-119 lipid binding chaperone; minus strand), LOC130060555 (ATAC-STARR-seq lymphoblastoid silent region 8343; plus strand). Cytogenetic location: 17q11.2.
Variant type: single nucleotide variant.
Coding change: c.106G>A on transcript NM_005148.4 (MANE Select); coding-DNA position 106, G replaced by A.
Protein change: p.Glu36Lys; replaces glutamic acid 36 with lysine.
Molecular consequence: missense variant. On other transcripts: 5 prime UTR variant (1).
Genome position (GRCh38, 1-based): chr17:28,552,452, C>T on the plus strand (G>A on the coding strand, the complement: UNC119 is on the minus strand). VCF-style: chr17-28552452-C-T. GRCh37 (hg19) VCF-style: chr17-26879470-C-T.
Other names: c.-208G>A (NM_001330166.2); c.106G>A, p.Glu36Lys (NM_054035.2); short protein forms E36K.
Identifiers: ClinVar variation 2111222 (VCV002111222.4), dbSNP rs1597580628, ClinGen allele CA398336330.